The following is an entry in ClinVar:

ClinVar aggregate classification (germline): Uncertain significance (1 of 4 stars; one submission).

Conditions:
Long QT syndrome (LQTS). Identifiers: MedGen C0023976, MeSH D008133, MONDO:0002442. Disease mechanism: loss of function. Inheritance: Various modes of inheritance.

Submission:

All of Us Research Program, National Institutes of Health
Classification: Uncertain significance for Long QT syndrome. Last evaluated: 2023-11-30. Review status: criteria provided, single submitter. Criteria: ACMG Guidelines, 2015. Collection method: clinical testing. Allele origin: germline. Inheritance: Autosomal dominant inheritance. Observed: 1 variant allele, 1 heterozygote.
Comment: This study involves interpretation of variants in research participants for the purpose of population health screening. Participant phenotype was not available at the time of variant classification. Additional details can be found in publication PMID: 35346344, PMCID: PMC8962531

NM_000238.4(KCNH2):c.3052C>T (p.Pro1018Ser)

Gene: KCNH2 (potassium voltage-gated channel subfamily H member 2; minus strand). Cytogenetic location: 7q36.1.
Variant type: single nucleotide variant.
Coding change: c.3052C>T on transcript NM_000238.4 (MANE Select); coding-DNA position 3052, C replaced by T.
Protein change: p.Pro1018Ser; replaces proline 1018 with serine.
Molecular consequence: missense variant. On other transcripts: non-coding transcript variant (2).
Genome position (GRCh38, 1-based): chr7:150,947,428, G>A on the plus strand (C>T on the coding strand, the complement: KCNH2 is on the minus strand). VCF-style: chr7-150947428-G-A. GRCh37 (hg19) VCF-style: chr7-150644516-G-A.
Other names: c.2764C>T, p.Pro922Ser (NM_001406753.1); c.2032C>T, p.Pro678Ser (NM_172057.3); short protein forms P1018S, P678S, P922S.
Identifiers: ClinVar variation 3073928 (VCV003073928.1), dbSNP rs41313764, ClinGen allele CA169072026.